The following is an entry in ClinVar:

NM_201384.3(PLEC):c.9140A>T (p.Asp3047Val)

Gene: PLEC (plectin; minus strand). Cytogenetic location: 8q24.3.
Variant type: single nucleotide variant.
Coding change: c.9140A>T on transcript NM_201384.3 (MANE Select); coding-DNA position 9140, A replaced by T.
Protein change: p.Asp3047Val; replaces aspartic acid 3047 with valine.
Molecular consequence: missense variant.
Genome position (GRCh38, 1-based): chr8:143,920,681, T>A on the plus strand (A>T on the coding strand, the complement: PLEC is on the minus strand). VCF-style: chr8-143920681-T-A. GRCh37 (hg19) VCF-style: chr8-144994849-T-A.
Other names: c.9221A>T, p.Asp3074Val (NM_000445.5); c.5840A>T, p.Asp1947Val (NM_001410941.1); c.9098A>T, p.Asp3033Val (NM_201378.4); c.9074A>T, p.Asp3025Val (NM_201379.3); c.9551A>T, p.Asp3184Val (NM_201380.4); c.9044A>T, p.Asp3015Val (NM_201381.3); c.9140A>T, p.Asp3047Val (NM_201382.4); c.9152A>T, p.Asp3051Val (NM_201383.3); short protein forms D1947V, D3015V, D3025V, D3033V, D3047V, D3051V, D3074V, D3184V.
Identifiers: ClinVar variation 3761196 (VCV003761196.2).
Genomic context (GRCh38, chr8:143,920,681, plus strand): 5'-ATGTGCCCGGTGCCGGCCTGGGCTTCCAACAGGGCCACGGCCATGTCGGATGGCAGCAGG[T>A]CTTTCTTCAGGGCATTGTAGATACTCAGCTTCTGCCCCGCCTCCTCCAGCCATACACCCG-3'
Protein context (NP_958786.1, residues 3037-3057): KLSIYNALKK[Asp3047Val]LLPSDMAVAL

ClinVar aggregate classification (germline): Uncertain significance (1 of 4 stars; one submission).

Conditions:
Epidermolysis bullosa simplex with nail dystrophy (EBS5D). Identifiers: MedGen C4225309, MONDO:0014661, OMIM 616487.
Epidermolysis bullosa simplex, Ogna type (EBS5A). Also called: EPIDERMOLYSIS BULLOSA SIMPLEX 5A, OGNA TYPE; Pidermolysis bullosa simplex 5A, Ogna type. Identifiers: Orphanet 79401, MedGen C0432317, MONDO:0007555, OMIM 131950.
Autosomal recessive limb-girdle muscular dystrophy type 2Q (LGMDR17). Also called: MUSCULAR DYSTROPHY, LIMB-GIRDLE, AUTOSOMAL RECESSIVE 17. Identifiers: Orphanet 254361, MedGen C3150989, MONDO:0013390, OMIM 613723.
Epidermolysis bullosa simplex 5B, with muscular dystrophy (EBS5B). Also called: EPIDERMOLYSIS BULLOSA SIMPLEX AND LIMB-GIRDLE MUSCULAR DYSTROPHY; Epidermolysis bullosa simplex with muscular dystrophy. Identifiers: Orphanet 257, MedGen C2931072, MONDO:0009181, OMIM 226670.
Epidermolysis bullosa simplex 5C, with pyloric atresia (EBS5C). Also called: PLEC1-Related Epidermolysis Bullosa with Pyloric Atresia; PLEC-Related Epidermolysis Bullosa with Pyloric Atresia; Epidermolysis bullosa simplex with pyloric atresia. Identifiers: Orphanet 158684, MedGen C2677349, MONDO:0012807, OMIM 612138.

gnomAD v4.1: 2 of 1,603,042 alleles (0.00012%); highest among the groups gnomAD compares: Admixed American, 0.0017%; no homozygotes.

Submission:

Labcorp Genetics (formerly Invitae), Labcorp
Classification: Uncertain significance for Autosomal recessive limb-girdle muscular dystrophy type 2Q; Epidermolysis bullosa simplex, Ogna type; Epidermolysis bullosa simplex with nail dystrophy; Epidermolysis bullosa simplex 5C, with pyloric atresia; Epidermolysis bullosa simplex 5B, with muscular dystrophy. Last evaluated: 2024-03-27. Review status: criteria provided, single submitter. Criteria: Invitae Variant Classification Sherloc (09022015). Collection method: clinical testing. Allele origin: germline.
Comment: This sequence change replaces aspartic acid, which is acidic and polar, with valine, which is neutral and non-polar, at codon 3074 of the PLEC protein (p.Asp3074Val). This variant is not present in population databases (gnomAD no frequency). This variant has not been reported in the literature in individuals affected with PLEC-related conditions. An algorithm developed to predict the effect of missense changes on protein structure and function (PolyPhen-2) suggests that this variant is likely to be disruptive. In summary, the available evidence is currently insufficient to determine the role of this variant in disease. Therefore, it has been classified as a Variant of Uncertain Significance.